The following is an entry in ClinVar:

NM_005188.4(CBL):c.1310G>A (p.Arg437Lys)

Gene: CBL (Cbl proto-oncogene; plus strand). Cytogenetic location: 11q23.3.
Variant type: single nucleotide variant.
Coding change: c.1310G>A on transcript NM_005188.4 (MANE Select); coding-DNA position 1310, G replaced by A.
Protein change: p.Arg437Lys; replaces arginine 437 with lysine.
Molecular consequence: missense variant.
Genome position (GRCh38, 1-based): chr11:119,278,592, G>A. VCF-style: chr11-119278592-G-A. GRCh37 (hg19) VCF-style: chr11-119149302-G-A.
Other names: short protein forms R437K.
Identifiers: ClinVar variation 4868269 (VCV004868269.1).

ClinVar aggregate classification (germline): Uncertain significance (1 of 4 stars; one submission).

Conditions:
Cardiovascular phenotype. Identifiers: MedGen CN230736.

Submission:

Ambry Genetics
Classification: Uncertain significance for Cardiovascular phenotype. Last evaluated: 2026-05-23. Review status: criteria provided, single submitter. Criteria: Ambry Variant Classification Scheme 2023. Collection method: clinical testing. Allele origin: germline.
Comment: The p.R437K variant (also known as c.1310G>A), located in coding exon 9 of the CBL gene, results from a G to A substitution at nucleotide position 1310. The arginine at codon 437 is replaced by lysine, an amino acid with highly similar properties. This amino acid position is conserved. In addition, this alteration is predicted to be tolerated by in silico analysis. Based on the available evidence, the clinical significance of this variant remains unclear.